The following is an entry in ClinVar:

NM_003579.4(RAD54L):c.415C>T (p.Leu139Phe)

Gene: RAD54L (RAD54 like; plus strand). Cytogenetic location: 1p34.1.
Variant type: single nucleotide variant.
Coding change: c.415C>T on transcript NM_003579.4 (MANE Select); coding-DNA position 415, C replaced by T.
Protein change: p.Leu139Phe; replaces leucine 139 with phenylalanine.
Molecular consequence: missense variant. On other transcripts: 5 prime UTR variant (1).
Genome position (GRCh38, 1-based): chr1:46,260,549, C>T. VCF-style: chr1-46260549-C-T. GRCh37 (hg19) VCF-style: chr1-46726221-C-T.
Other names: c.415C>T, p.Leu139Phe (NM_001142548.2); c.-126C>T (NM_001370766.1); short protein forms L139F.
Identifiers: ClinVar variation 1738327 (VCV001738327.2), dbSNP rs2148287713, ClinGen allele CA340184617.

ClinVar aggregate classification (germline): Uncertain significance (1 of 4 stars; one submission).

Submission:

Ambry Genetics
Classification: Uncertain significance. Last evaluated: 2022-09-26. Review status: criteria provided, single submitter. Criteria: Ambry Variant Classification Scheme 2023. Collection method: clinical testing. Allele origin: germline.
Comment: The p.L139F variant (also known as c.415C>T), located in coding exon 6 of the RAD54L gene, results from a C to T substitution at nucleotide position 415. The leucine at codon 139 is replaced by phenylalanine, an amino acid with highly similar properties. This amino acid position is conserved. In addition, this alteration is predicted to be tolerated by in silico analysis. Since supporting evidence is limited at this time, the clinical significance of this alteration remains unclear.